The following is an entry in ClinVar:

ClinVar aggregate classification (germline): Uncertain significance (1 of 4 stars; one submission).

Allele frequency attached by ClinVar (database versions not stated): gnomAD exomes below 0.00001.

Submission:

Labcorp Genetics (formerly Invitae), Labcorp
Classification: Uncertain significance. Last evaluated: 2025-03-31. Review status: criteria provided, single submitter. Criteria: Invitae Variant Classification Sherloc (09022015). Collection method: clinical testing. Allele origin: germline.
Comment: This sequence change replaces tyrosine, which is neutral and polar, with cysteine, which is neutral and slightly polar, at codon 421 of the ALPL protein (p.Tyr421Cys). This variant is not present in population databases (gnomAD no frequency). This variant has not been reported in the literature in individuals affected with ALPL-related conditions. ClinVar contains an entry for this variant (Variation ID: 2151010). Invitae Evidence Modeling of protein sequence and biophysical properties (such as structural, functional, and spatial information, amino acid conservation, physicochemical variation, residue mobility, and thermodynamic stability) indicates that this missense variant is expected to disrupt ALPL protein function with a positive predictive value of 95%. In summary, the available evidence is currently insufficient to determine the role of this variant in disease. Therefore, it has been classified as a Variant of Uncertain Significance.

NM_000478.6(ALPL):c.1262A>G (p.Tyr421Cys)

Gene: ALPL (alkaline phosphatase, biomineralization associated; plus strand). Cytogenetic location: 1p36.12.
Variant type: single nucleotide variant.
Coding change: c.1262A>G on transcript NM_000478.6 (MANE Select); coding-DNA position 1262, A replaced by G.
Protein change: p.Tyr421Cys; replaces tyrosine 421 with cysteine.
Molecular consequence: missense variant.
Genome position (GRCh38, 1-based): chr1:21,576,594, A>G. VCF-style: chr1-21576594-A-G. GRCh37 (hg19) VCF-style: chr1-21903087-A-G.
Other names: c.1097A>G, p.Tyr366Cys (NM_001127501.4); c.1031A>G, p.Tyr344Cys (NM_001177520.3); c.1262A>G, p.Tyr421Cys (NM_001369803.2, NM_001369804.2, NM_001369805.2); short protein forms Y366C, Y344C, Y421C.
Identifiers: ClinVar variation 2151010 (VCV002151010.2), dbSNP rs2545347502, ClinGen allele CA338881807.